The following is an entry in ClinVar:

ClinVar aggregate classification (germline): Likely benign (0 of 4 stars; one submission).

Conditions:
TDRD6-related disorder. Also called: TDRD6-related condition.

Allele frequency attached by ClinVar (database versions not stated): gnomAD exomes 0.00010; ExAC 0.00027; gnomAD 0.00066; TOPMed 0.00091; ESP Exome Variant Server 0.00092; 1000 Genomes Project 30x 0.00156; 1000 Genomes Project 0.00160.
gnomAD v4.1: 256 of 1,613,386 alleles (0.016%); highest among the groups gnomAD compares: African/African-American, 0.22%; 1 homozygote.

Submission:

PreventionGenetics, part of Exact Sciences
Classification: Likely benign for TDRD6-related condition. Last evaluated: 2023-02-15. Review status: no assertion criteria provided. Collection method: clinical testing. Allele origin: germline.
Comment: This variant is classified as likely benign based on ACMG/AMP sequence variant interpretation guidelines (Richards et al. 2015 PMID: 25741868, with internal and published modifications).

NM_001010870.3(TDRD6):c.1319G>A (p.Cys440Tyr)

Gene: TDRD6 (tudor domain containing 6; plus strand). Cytogenetic location: 6p12.3.
Variant type: single nucleotide variant.
Coding change: c.1319G>A on transcript NM_001010870.3 (MANE Select); coding-DNA position 1319, G replaced by A.
Protein change: p.Cys440Tyr; replaces cysteine 440 with tyrosine.
Molecular consequence: missense variant.
Genome position (GRCh38, 1-based): chr6:46,689,447, G>A. VCF-style: chr6-46689447-G-A. GRCh37 (hg19) VCF-style: chr6-46657184-G-A.
Other names: c.1319G>A, p.Cys440Tyr (NM_001168359.2); short protein forms C440Y.
Identifiers: ClinVar variation 3054214 (VCV003054214.2), dbSNP rs116782737, ClinGen allele CA3838918.